The following is an entry in ClinVar:

ClinVar aggregate classification (germline): Likely pathogenic (1 of 4 stars; one submission).

Conditions:
Euthyroid goiter (MNG1). Also called: GOITER, NONTOXIC, WITH INTRATHYROIDAL CALCIFICATION; MULTINODULAR GOITER, ADOLESCENT; SIMPLE GOITER; Goiter, multinodular 1, with or without Sertoli-Leydig cell tumors. Identifiers: Orphanet 276399, MedGen C0302859, MONDO:0007681, OMIM 138800, HP:0009798.

Submission:

Center of Human Genetics, Hôpital Erasme
Classification: Likely pathogenic for Euthyroid goiter. Review status: criteria provided, single submitter. Criteria: ACMG Guidelines, 2015. Collection method: clinical testing. Allele origin: germline. Inheritance: Autosomal dominant inheritance. Affected: yes. Observed: 1 heterozygote.
Comment: The c.2988-3C>G variant is absent from the gnomAD v4 control database and is not described in the literature. The three prediction software programs tested support an impact on splicing (SpliceAI: Splice-Altering / strong (0.91), dbscSNV Ada: Deleterious (1), and dbscSNV RF: Deleterious (0.77)). Family segregation was performed on 4 patients (three generations) of the same family. All of them carry this DICER1 variant and suffer from multinodular goiter and two of them have had nephrectomy in childhood. For these reasons, the variant was classified as a likely pathogenic variant (class IV).

NM_177438.3(DICER1):c.2988-3C>G

Gene: DICER1 (dicer 1, ribonuclease III; minus strand). Cytogenetic location: 14q32.13.
Variant type: single nucleotide variant.
Coding change: c.2988-3C>G on transcript NM_177438.3 (MANE Select); 3 bases into the intron before coding-DNA position 2988, C replaced by G.
Molecular consequence: intron variant. On other transcripts: non-coding transcript variant (1).
Genome position (GRCh38, 1-based): chr14:95,105,786, G>C on the plus strand (C>G on the coding strand, the complement: DICER1 is on the minus strand). VCF-style: chr14-95105786-G-C. GRCh37 (hg19) VCF-style: chr14-95572123-G-C.
Other names: c.2988-3C>G (NM_001291628.2, NM_030621.4, NM_001395677.1 and 12 more transcripts); c.2583-3C>G (NM_001395690.1, NM_001395687.1, NM_001395689.1 and 2 more transcripts); c.2706-3C>G (NM_001395686.1); c.2421-3C>G (NM_001395691.1); c.1305-3C>G (NM_001395697.1).
Identifiers: ClinVar variation 4086268 (VCV004086268.1).